The following is an entry in ClinVar:

ClinVar aggregate classification (germline): Pathogenic (0 of 4 stars; one submission).

Conditions:
Cholestasis, progressive familial intrahepatic, 4. Identifiers: Orphanet 480483, Orphanet 79304, MedGen C2931067, MONDO:0014381, OMIM 615878.

Submission:

Donald Williams Parsons Laboratory, Baylor College of Medicine
Classification: Pathogenic for Cholestasis, progressive familial intrahepatic, 4. Last evaluated: 2013-11-06. Review status: no assertion criteria provided. Collection method: research. Allele origin: germline. Inheritance: Autosomal recessive inheritance. Affected: yes. Observed: 1 variant allele, 1 homozygote. Study: CSER-BASIC3.
Comment: This frameshift variant is categorized as deleterious according to ACMG guidelines (PMID:18414213).

Literature cited by the submitters: PubMed 26822237.

NM_004817.4(TJP2):c.813_814del (p.Ala273fs)

Gene: TJP2 (tight junction protein 2; plus strand). Cytogenetic location: 9q21.11.
Variant type: Microsatellite.
Coding change: c.813_814del on transcript NM_004817.4 (MANE Select); coding-DNA positions 813 to 814, 2 bases deleted (CG; older notation c.813_814delCG).
Protein change: p.Ala273fs; shifts the reading frame from alanine 273.
Molecular consequence: frameshift variant.
Genome position (GRCh38, 1-based): chr9:69,221,357-69,221,358, CG deleted; deleting any 2 consecutive bases within chr9:69,221,354-69,221,358 gives the same sequence; the c. name uses the placement nearest the transcript's 3' end. VCF-style (leftmost placement, unchanged base first): chr9-69221353-GGC-G. GRCh37 (hg19) VCF-style: chr9-71836269-GGC-G.
Other names: c.744_745del, p.Ala250fs (NM_001170414.2, NM_001369870.1, NM_001369871.1); c.825_826del, p.Ala277fs (NM_001170415.1, NM_001369874.1, NM_001369875.1); c.906_907del, p.Ala304fs (NM_001170416.2); c.813_814del, p.Ala273fs (NM_001369872.1, NM_001369873.1, NM_201629.3); short protein forms A250fs, A273fs, A277fs, A304fs.
Identifiers: ClinVar variation 438788 (VCV000438788.2), dbSNP rs1554660803, ClinGen allele CA645509429.
Genomic context (GRCh38, chr9:69,221,353, plus strand): 5'-AGCGAGCCTATCACCGGGCCTACGACCCAGACTACGAGCGGGCCTACAGCCCGGAGTACA[GGC>G]GCGGGGCCCGCCACGATGCCCGCTCTCGGGGACCCCGAAGCCGCAGCCGCGAGCACCCGC-3'